The following is an entry in ClinVar:

ClinVar aggregate classification (germline): Benign/Likely benign. Review status: criteria provided, multiple submitters, no conflicts (2 of 4 stars). 10 submissions from 10 submitters: Benign (1); Likely benign (7). 2 of the submissions do not count toward it. Last evaluated 2026-07-01.

Conditions:
DOCK8-related disorder. Also called: DOCK8-related condition.
Inborn genetic diseases. Identifiers: MedGen C0950123, MeSH D030342.
Combined immunodeficiency due to DOCK8 deficiency (HIES2). Also called: HYPER-IgE SYNDROME 2, AUTOSOMAL RECESSIVE, WITH RECURRENT INFECTIONS; HIES autosomal recessive; DOCK8 Deficiency; Hyper-IgE recurrent infection syndrome, autosomal recessive; HYPER-IgE RECURRENT INFECTION SYNDROME 2, AUTOSOMAL RECESSIVE. Identifiers: Orphanet 217390, MedGen C4722305, MONDO:0009478, OMIM 243700.

Allele frequency attached by ClinVar (database versions not stated): gnomAD exomes 0.00035 and 0.00051; ExAC 0.00053; ESP Exome Variant Server 0.00077; 1000 Genomes Project 30x 0.00078; gnomAD 0.00092 and 0.00097; 1000 Genomes Project 0.00100; TOPMed 0.00110.
gnomAD v4.1: 663 of 1,614,162 alleles (0.041%); highest among the groups gnomAD compares: African/African-American, 0.24%; 1 homozygote.

Submissions (10):

CeGaT Center for Human Genetics Tuebingen
Classification: Likely benign. Last evaluated: 2026-07-01. Review status: criteria provided, single submitter. Criteria: CeGaT Center For Human Genetics Tuebingen Variant Classification Criteria Version 2. Collection method: clinical testing. Allele origin: germline. Affected: yes. Observed: 1 variant allele.
Comment: DOCK8: BP4

Ambry Genetics
Classification: Likely benign for Inborn genetic diseases. Last evaluated: 2026-03-27. Review status: criteria provided, single submitter. Criteria: Ambry Variant Classification Scheme 2023. Collection method: clinical testing. Allele origin: germline.

Labcorp Genetics (formerly Invitae), Labcorp
Classification: Likely benign for Combined immunodeficiency due to DOCK8 deficiency. Last evaluated: 2026-01-29. Review status: criteria provided, single submitter. Criteria: Invitae Variant Classification Sherloc (09022015). Collection method: clinical testing. Allele origin: germline.

PreventionGenetics, part of Exact Sciences
Classification: Likely benign for DOCK8-related condition. Last evaluated: 2025-05-02. Review status: criteria provided, single submitter. Criteria: ACMG Guidelines, 2015. Collection method: clinical testing. Allele origin: germline.
Comment: This variant is classified as likely benign based on ACMG/AMP sequence variant interpretation guidelines (Richards et al. 2015 PMID: 25741868, with internal and published modifications).

Blueprint Genetics
Classification: Likely benign. Last evaluated: 2024-08-13. Review status: criteria provided, single submitter. Criteria: ACMG Guidelines, 2015. Collection method: clinical testing. Allele origin: germline.

Mayo Clinic Laboratories, Mayo Clinic
Classification: Benign. Last evaluated: 2023-08-29. Review status: criteria provided, single submitter. Criteria: ACMG Guidelines, 2015. Collection method: clinical testing. Allele origin: germline. Observed: 3 variant alleles.
Comment: BS1, BP4_strong

GeneDx
Classification: Likely benign. Last evaluated: 2017-04-10. Review status: criteria provided, single submitter. Criteria: GeneDx Variant Classification (06012015). Collection method: clinical testing. Allele origin: germline. Affected: yes.
Comment: This variant is considered likely benign or benign based on one or more of the following criteria: it is a conservative change, it occurs at a poorly conserved position in the protein, it is predicted to be benign by multiple in silico algorithms, and/or has population frequency not consistent with disease.

Breakthrough Genomics
Classification: Likely benign. Review status: criteria provided, single submitter. Criteria: ACMG Guidelines, 2015. Collection method: not provided. Allele origin: germline. Inheritance: Autosomal recessive inheritance. Affected: yes.

Clinical Genetics DNA and cytogenetics Diagnostics Lab, Erasmus MC, Erasmus Medical Center
Classification: Likely benign. Review status: no assertion criteria provided. Collection method: clinical testing. Allele origin: germline. Affected: yes. Study: VKGL Data-share Consensus. Not counted in ClinVar's aggregate classification.

Genome Diagnostics Laboratory, University Medical Center Utrecht
Classification: Likely benign. Review status: no assertion criteria provided. Collection method: clinical testing. Allele origin: germline. Affected: yes. Study: VKGL Data-share Consensus. Not counted in ClinVar's aggregate classification.

Literature cited by the submitters: PubMed 29682684 (cited by Mayo Clinic Laboratories, Mayo Clinic).

NM_203447.4(DOCK8):c.580G>A (p.Val194Ile)

Gene: DOCK8 (dedicator of cytokinesis 8; plus strand). Cytogenetic location: 9p24.3.
Variant type: single nucleotide variant.
Coding change: c.580G>A on transcript NM_203447.4 (MANE Select); coding-DNA position 580, G replaced by A.
Protein change: p.Val194Ile; replaces valine 194 with isoleucine.
Molecular consequence: missense variant.
Genome position (GRCh38, 1-based): chr9:312,005, G>A. VCF-style: chr9-312005-G-A. GRCh37 (hg19) VCF-style: chr9-312005-G-A.
Other names: p.Val194Ile; c.376G>A, p.Val126Ile (NM_001190458.2, NM_001193536.2); short protein forms V194I, V126I.
Identifiers: ClinVar variation 468740 (VCV000468740.20), dbSNP rs141210649, ClinGen allele CA4957326.